The following is an entry in ClinVar:

ClinVar aggregate classification (germline): Uncertain significance (1 of 4 stars; one submission).

Allele frequency attached by ClinVar (database versions not stated): ExAC 0.00001; gnomAD 0.00001; gnomAD exomes 0.00001.
gnomAD v4.1: 10 of 1,614,006 alleles (0.00062%); highest among the groups gnomAD compares: Admixed American, 0.0017%; no homozygotes.

Submission:

Labcorp Genetics (formerly Invitae), Labcorp
Classification: Uncertain significance. Last evaluated: 2023-08-04. Review status: criteria provided, single submitter. Criteria: Invitae Variant Classification Sherloc (09022015). Collection method: clinical testing. Allele origin: germline.
Comment: This sequence change replaces valine, which is neutral and non-polar, with isoleucine, which is neutral and non-polar, at codon 565 of the ADCY1 protein (p.Val565Ile). In summary, the available evidence is currently insufficient to determine the role of this variant in disease. Therefore, it has been classified as a Variant of Uncertain Significance. Advanced modeling of protein sequence and biophysical properties (such as structural, functional, and spatial information, amino acid conservation, physicochemical variation, residue mobility, and thermodynamic stability) performed at Invitae indicates that this missense variant is not expected to disrupt ADCY1 protein function. This variant has not been reported in the literature in individuals affected with ADCY1-related conditions. This variant is present in population databases (rs762914964, gnomAD 0.002%).

NM_021116.4(ADCY1):c.1693G>A (p.Val565Ile)

Gene: ADCY1 (adenylate cyclase 1; plus strand). Cytogenetic location: 7p12.3.
Variant type: single nucleotide variant.
Coding change: c.1693G>A on transcript NM_021116.4 (MANE Select); coding-DNA position 1693, G replaced by A.
Protein change: p.Val565Ile; replaces valine 565 with isoleucine.
Molecular consequence: missense variant.
Genome position (GRCh38, 1-based): chr7:45,677,956, G>A. VCF-style: chr7-45677956-G-A. GRCh37 (hg19) VCF-style: chr7-45717555-G-A.
Other names: short protein forms V565I.
Identifiers: ClinVar variation 2826107 (VCV002826107.3), dbSNP rs762914964, ClinGen allele CA4249012.